The following is an entry in ClinVar:

ClinVar aggregate classification (germline): Uncertain significance (1 of 4 stars; one submission).

Conditions:
Malignant hyperthermia, susceptibility to, 1 (MHS1). Also called: Anesthesia related hyperthermia; Malignant hyperpyrexia; Fulminating hyperpyrexia; Pharmacogenic myopathy; RYR1-Related Malignant Hyperthermia Susceptibility; Malignant hyperthermia suceptibility 1. Identifiers: Orphanet 423, MedGen C2930980, MONDO:0007783, OMIM 145600.

Allele frequency attached by ClinVar (database versions not stated): TOPMed below 0.00001.

Submission:

All of Us Research Program, National Institutes of Health
Classification: Uncertain significance for Malignant hyperthermia, susceptibility to, 1. Last evaluated: 2023-05-15. Review status: criteria provided, single submitter. Criteria: ACMG Guidelines, 2015. Collection method: clinical testing. Allele origin: germline. Inheritance: Autosomal dominant inheritance. Observed: 1 variant allele, 1 heterozygote.
Comment: This variant causes a C to T nucleotide substitution at the +3 position of intron 10 of the RYR1 gene. To our knowledge, functional studies have not been reported for this variant. This variant has not been reported in individuals affected with RYR1-related disorders in the literature. This variant has not been identified in the general population by the Genome Aggregation Database (gnomAD). The available evidence is insufficient to determine the role of this variant in disease conclusively. Therefore, this variant is classified as a Variant of Uncertain Significance.

This study involves interpretation of variants in research participants for the purpose of population health screening. Participant phenotype was not available at the time of variant classification. Additional details can be found in publication PMID: 35346344, PMCID: PMC8962531

NM_000540.3(RYR1):c.957+3C>T

Gene: RYR1 (ryanodine receptor 1; plus strand). Cytogenetic location: 19q13.2.
Variant type: single nucleotide variant.
Coding change: c.957+3C>T on transcript NM_000540.3 (MANE Select); 3 bases into the intron after coding-DNA position 957, C replaced by T.
Molecular consequence: intron variant.
Genome position (GRCh38, 1-based): chr19:38,448,514, C>T. VCF-style: chr19-38448514-C-T. GRCh37 (hg19) VCF-style: chr19-38939154-C-T.
Other names: c.957+3C>T (NM_001042723.2).
Identifiers: ClinVar variation 3070955 (VCV003070955.1), dbSNP rs1966906808, ClinGen allele CA2335027771.